The following is an entry in ClinVar:

ClinVar aggregate classification (germline): Pathogenic. Review status: criteria provided, multiple submitters, no conflicts (2 of 4 stars). 6 submissions from 6 submitters: Pathogenic (5). 1 of the submissions does not count toward it. Last evaluated 2025-12-13.

Conditions:
OAT-related disorder. Also called: OAT-related condition.
Hyperornithinemia. Also called: Ornithinemia. Identifiers: MedGen C0599035, HP:0012026.
Ornithine aminotransferase deficiency (GACR). Also called: OAT DEFICIENCY; OKT DEFICIENCY; Ornithine ketoacid aminotransferase deficiency; Gyrate atrophy; Gyrate atrophy of choroid and retina; Girate atrophy of the retina. Identifiers: Orphanet 414, MedGen C0018425, MONDO:0009796, OMIM 258870.

Allele frequency attached by ClinVar (database versions not stated): TOPMed 0.00002; 1000 Genomes Project 30x 0.00016; 1000 Genomes Project 0.00020; ExAC 0.00026.
gnomAD v4.1: 179 of 1,614,158 alleles (0.011%); highest among the groups gnomAD compares: Non-Finnish European, 0.00093%; 1 homozygote.

Submissions (6):

Natera, Inc.
Classification: Pathogenic for Gyrate atrophy. Last evaluated: 2025-12-13. Review status: criteria provided, single submitter. Criteria: Natera Variant Classification Schema (03/2026). Collection method: clinical testing. Allele origin: germline.
Comment: The c.1205T>C variant in OAT is a missense variant predicted to cause substitution of leucine to proline at amino acid 402. This variant has been observed in one or more individuals affected with the associated recessive disease, as either homozygous or compound heterozygous with a second variant (PMID: 2492100, 11297489, 40571344). Additionally, this variant has been observed to segregate in affected family members (PMID: 2492100). Functional studies show that this variant may disrupt protein function (PMID: 2492100, 35782600). Computational prediction algorithms indicate this variant is likely to affect gene or protein function. Given the available evidence, this variant is classified as Pathogenic.

Blueprint Genetics
Classification: Pathogenic for OAT-related disorders. Last evaluated: 2024-11-07. Review status: criteria provided, single submitter. Criteria: ACMG Guidelines, 2015. Collection method: clinical testing. Allele origin: germline. Affected: yes. Observed: 5 variant alleles.

Baylor Genetics
Classification: Pathogenic for Ornithine aminotransferase deficiency. Last evaluated: 2024-02-28. Review status: criteria provided, single submitter. Criteria: ACMG Guidelines, 2015. Collection method: clinical testing. Allele origin: unknown.

Labcorp Genetics (formerly Invitae), Labcorp
Classification: Pathogenic for Ornithine aminotransferase deficiency. Last evaluated: 2023-04-26. Review status: criteria provided, single submitter. Criteria: Invitae Variant Classification Sherloc (09022015). Collection method: clinical testing. Allele origin: germline.
Comment: This sequence change replaces leucine, which is neutral and non-polar, with proline, which is neutral and non-polar, at codon 402 of the OAT protein (p.Leu402Pro). This variant is present in population databases (rs121965043, gnomAD 0.3%). For these reasons, this variant has been classified as Pathogenic. Experimental studies have shown that this missense change affects OAT function (PMID: 1737786, 2492100). Advanced modeling of protein sequence and biophysical properties (such as structural, functional, and spatial information, amino acid conservation, physicochemical variation, residue mobility, and thermodynamic stability) performed at Invitae indicates that this missense variant is expected to disrupt OAT protein function. ClinVar contains an entry for this variant (Variation ID: 156). This missense change has been observed in individuals with OAT-related conditions (PMID: 1737786, 2492100). It is commonly reported in individuals of Finnish ancestry (PMID: 1737786, 2492100).

Women's Health and Genetics/Laboratory Corporation of America, LabCorp
Classification: Pathogenic for Hyperornithinemia. Last evaluated: 2022-12-13. Review status: criteria provided, single submitter. Criteria: LabCorp Variant Classification Summary - May 2015. Collection method: clinical testing. Allele origin: germline.
Comment: Variant summary: OAT c.1205T>C (p.Leu402Pro) results in a non-conservative amino acid change at a highly conserved amino acid residue (Brody_1992) of the encoded protein sequence. Five of five in-silico tools predict a damaging effect of the variant on protein function. The variant allele was found at a frequency of 0.00027 in 251176 control chromosomes. This frequency is not higher than the estimated maximum expected for a pathogenic variant in OAT causing Ornithine Aminotransferase Deficiency (0.00027 vs 0.0011), allowing no conclusion about variant significance. The variant, c.1205T>C, has been reported in the literature in many homozygous-, as well as compound heterozygous individuals affected with Gyrate atrophy, including multiple evidence for cosegregation (Mitchell_1989, Peltola_2002); the variant is reported as a known Finnish founder mutation in the literature (Peltola_2002). These data indicate that the variant is very likely to be associated with disease. Publications also reported experimental evidence evaluating an impact on protein function, showing a substantial reduction in OAT protein expression and a loss of enzymatic activity (Mitchell_1989, Brody_1992). Two submitters have provided clinical-significance assessments for this variant in ClinVar after 2014 without evidence for independent evaluation, and both classified the variant as pathogenic. Based on the evidence outlined above, the variant was classified as pathogenic.

OMIM
Classification: Pathogenic for GYRATE ATROPHY OF CHOROID AND RETINA. Last evaluated: 2018-02-01. Review status: no assertion criteria provided. Collection method: literature only. Allele origin: germline. Not counted in ClinVar's aggregate classification.

Literature cited by the submitters: PubMed 2492100 (cited by 3 submitters); PubMed 11297489 (cited by Natera, Inc.); PubMed 40571344 (cited by Natera, Inc.); PubMed 35782600 (cited by Natera, Inc.); PubMed 1737786 (cited by Labcorp Genetics (formerly Invitae), Labcorp and Women's Health and Genetics/Laboratory Corporation of America, LabCorp); PubMed 12221166 (cited by Women's Health and Genetics/Laboratory Corporation of America, LabCorp); PubMed 3170546 (cited by OMIM); Martin, L., Mitchell, G., Brody, L., Steel, G., Obie, C., Simell, O., Sipila, I., Valle, D. Molecular analysis of gyrate atrophy (GA) in Finns. (Abstract) Am. J. Hum. Genet. 45 (suppl.): A244-only, 1989. (cited by OMIM).

NM_000274.4(OAT):c.1205T>C (p.Leu402Pro)

Gene: OAT (ornithine aminotransferase; minus strand). Cytogenetic location: 10q26.13.
Variant type: single nucleotide variant.
Coding change: c.1205T>C on transcript NM_000274.4 (MANE Select); coding-DNA position 1205, T replaced by C.
Protein change: p.Leu402Pro; replaces leucine 402 with proline.
Molecular consequence: missense variant.
Genome position (GRCh38, 1-based): chr10:124,398,057, A>G on the plus strand (T>C on the coding strand, the complement: OAT is on the minus strand). VCF-style: chr10-124398057-A-G. GRCh37 (hg19) VCF-style: chr10-126086626-A-G.
Other names: c.791T>C, p.Leu264Pro (NM_001171814.2); c.1205T>C, p.Leu402Pro (NM_001322965.2, NM_001322966.2, NM_001322967.2 and 3 more transcripts); c.884T>C, p.Leu295Pro (NM_001322971.2); c.605T>C, p.Leu202Pro (NM_001322974.2); short protein forms L402P, L264P, L295P, L202P.
Identifiers: ClinVar variation 156 (VCV000000156.15), dbSNP rs121965043, ClinGen allele CA113940.